The following is an entry in ClinVar:

NM_176824.3(BBS7):c.1967_1968delinsC (p.Leu656fs)

Gene: BBS7 (Bardet-Biedl syndrome 7; minus strand). Cytogenetic location: 4q27.
Variant type: Indel.
Coding change: c.1967_1968delinsC on transcript NM_176824.3 (MANE Select); coding-DNA positions 1967 to 1968, TA replaced by C.
Protein change: p.Leu656fs; shifts the reading frame from leucine 656.
Molecular consequence: frameshift variant.
Genome position (GRCh38, 1-based): chr4:121,828,192-121,828,193, TA replaced by G on the plus strand (TA replaced by C on the coding strand, the reverse complement: BBS7 is on the minus strand). VCF-style: chr4-121828192-TA-G. GRCh37 (hg19) VCF-style: chr4-122749347-TA-G.
Other names: c.1967_1968delinsC (NM_176824.2); c.1967_1968delinsC, p.Leu656fs (NM_018190.4); short protein forms L656fs.
Identifiers: ClinVar variation 162088 (VCV000162088.45), dbSNP rs672601379, ClinGen allele CA273047.

ClinVar aggregate classification (germline): Pathogenic/Likely pathogenic. Review status: criteria provided, multiple submitters, no conflicts (2 of 4 stars). 8 submissions from 8 submitters: Pathogenic (4); Likely pathogenic (1). 3 of the submissions do not count toward it. Last evaluated 2026-06-21.

Conditions:
BBS7-related disorder. Also called: BBS7-related condition.
Optic atrophy. Identifiers: MedGen C0029124, MONDO:0003608, HP:0000648.
Bardet-Biedl syndrome (BBS). Identifiers: Orphanet 110, MedGen C0752166, MONDO:0015229.
Bardet-Biedl syndrome 7 (BBS7). Identifiers: Orphanet 110, MedGen C1859565, MONDO:0014435, OMIM 615984.

Submissions (8):

GeneDx
Classification: Likely pathogenic. Last evaluated: 2026-06-21. Review status: criteria provided, single submitter. Criteria: GeneDx Variant Classification Process June 2021. Collection method: clinical testing. Allele origin: germline.
Comment: Frameshift variant predicted to result in abnormal protein length as the last 60 amino acid(s) are replaced with 17 different amino acid(s); This variant is associated with the following publications: (PMID: 20177705, 33879512, 39092430, Nikolaeva2026[CaseReport])

Labcorp Genetics (formerly Invitae), Labcorp
Classification: Pathogenic for Bardet-Biedl syndrome. Last evaluated: 2026-01-23. Review status: criteria provided, single submitter. Criteria: Invitae Variant Classification Sherloc (09022015). Collection method: clinical testing. Allele origin: germline.
Comment: This sequence change creates a premature translational stop signal (p.Leu656Profs*18) in the BBS7 gene. While this is not anticipated to result in nonsense mediated decay, it is expected to disrupt the last 60 amino acid(s) of the BBS7 protein. Information on the frequency of this variant in the gnomAD database is not available, as this variant may be reported differently in the database. This premature translational stop signal has been observed in individuals with clinical features of BBS7-related conditions (PMID: 20177705, 21520333). ClinVar contains an entry for this variant (Variation ID: 162088). This variant disrupts a region of the BBS7 protein in which other variant(s) (p.Gln657Argfs*17) have been determined to be pathogenic (PMID: 33138063). This suggests that this is a clinically significant region of the protein, and that variants that disrupt it are likely to be disease-causing. For these reasons, this variant has been classified as Pathogenic.

Fulgent Genetics
Classification: Pathogenic for Bardet-Biedl syndrome 7. Last evaluated: 2024-05-14. Review status: criteria provided, single submitter. Criteria: ACMG Guidelines, 2015. Collection method: clinical testing. Allele origin: germline.

Blueprint Genetics
Classification: Pathogenic for BBS7-related disorders. Last evaluated: 2022-11-09. Review status: criteria provided, single submitter. Criteria: ACMG Guidelines, 2015. Collection method: clinical testing. Allele origin: germline. Affected: yes. Observed: 2 variant alleles.

CeGaT Center for Human Genetics Tuebingen
Classification: Pathogenic. Last evaluated: 2019-09-01. Review status: criteria provided, single submitter. Criteria: CeGaT Center For Human Genetics Tuebingen Variant Classification Criteria Version 2. Collection method: clinical testing. Allele origin: germline. Affected: yes. Observed: 1 variant allele.

PreventionGenetics, part of Exact Sciences
Classification: Pathogenic for BBS7-related condition. Last evaluated: 2024-07-17. Review status: no assertion criteria provided. Collection method: clinical testing. Allele origin: germline. Not counted in ClinVar's aggregate classification.
Comment: The BBS7 c.1967_1968delinsC variant is predicted to result in a frameshift and premature protein termination (p.Leu656Profs*18). This variant was reported along with a canonical splice site variant in an individual with Bardet-Biedl syndrome (reported as c.1967-1968delTAinsC in Muller et al. 2010. PubMed ID: 20177705). This variant was also reported in the homozygous state in two siblings with clinical signs of Bardet-Biedl syndrome by an outside laboratory in ClinVar. This variant has not been reported in a large population database, indicating this variant is rare. Frameshift variants in BBS7 are expected to be pathogenic. This variant is interpreted as pathogenic.

Institute of Human Genetics, Univ. Regensburg, Univ. Regensburg
Classification: Pathogenic for Optic atrophy. Last evaluated: 2022-01-01. Review status: no assertion criteria provided. Criteria: ACMG Guidelines, 2015. Collection method: clinical testing. Allele origin: germline. Affected: yes. Not counted in ClinVar's aggregate classification.

Laboratory of Molecular Oncology, N.N. Petrov Institute of Oncology
Classification: Pathogenic for Bardet-Biedl syndrome 7. Last evaluated: 2014-01-01. Review status: no assertion criteria provided. Collection method: clinical testing. Allele origin: germline. Inheritance: Autosomal recessive inheritance. Affected: yes and no. Observed: 5 variant alleles, 3 heterozygotes, 2 homozygotes. Not counted in ClinVar's aggregate classification.
Comment: Study of a family where 2 children had clinical signs of Bardet-Biedl syndrome. Both affected children had homozygous mutation while their parents and healthy sib were heterozygous carriers

Literature cited by the submitters: PubMed 20177705 (cited by Labcorp Genetics (formerly Invitae), Labcorp); PubMed 21520333 (cited by Labcorp Genetics (formerly Invitae), Labcorp); PubMed 33138063 (cited by Labcorp Genetics (formerly Invitae), Labcorp).